The following is an entry in ClinVar:

NM_001943.5(DSG2):c.1754T>G (p.Val585Gly)

Gene: DSG2 (desmoglein 2; plus strand). Cytogenetic location: 18q12.1.
Variant type: single nucleotide variant.
Coding change: c.1754T>G on transcript NM_001943.5 (MANE Select); coding-DNA position 1754, T replaced by G.
Protein change: p.Val585Gly; replaces valine 585 with glycine.
Molecular consequence: missense variant.
Genome position (GRCh38, 1-based): chr18:31,538,853, T>G. VCF-style: chr18-31538853-T-G. GRCh37 (hg19) VCF-style: chr18-29118816-T-G.
Other names: short protein forms V585G.
Identifiers: ClinVar variation 844729 (VCV000844729.15), dbSNP rs1226887053, ClinGen allele CA402137463.
Genomic context (GRCh38, chr18:31,538,853, plus strand): 5'-GAAGTGAAATTCAGTTCCTGATTTCAGACAATCAGGGTTTTAGTTGTCCTGAAAAGCAGG[T>G]CCTTACACTCACAGTTTGTGAGTGTCTGCATGGCAGCGGCTGCAGGGAAGCACAGCATGA-3'
Protein context (NP_001934.2, residues 575-595): NQGFSCPEKQ[Val585Gly]LTLTVCECLH

ClinVar aggregate classification (germline): Uncertain significance. Review status: criteria provided, multiple submitters, no conflicts (2 of 4 stars). 4 submissions from 4 submitters: Uncertain significance (4). Last evaluated 2024-08-28.

Conditions:
Cardiovascular phenotype. Identifiers: MedGen CN230736.
Arrhythmogenic right ventricular cardiomyopathy (ARVD). Also called: Cardiomyopathy, ARVC; Arrhythmogenic right ventricular dysplasia; Arrhythmogenic cardiomyopathy; Arrhythmogenic Right Ventricular Cardiomyopathy (ARVC). Identifiers: Orphanet 247, MedGen C0349788, MeSH D019571, MONDO:0016587. Disease mechanism: loss of function. Inheritance: Various modes of inheritance.
Cardiomyopathy (CMYO). Also called: Cardiomyopathies. Identifiers: Orphanet 167848, MedGen C0878544, MONDO:0004994, HP:0001638. Inheritance: Various modes of inheritance.
Arrhythmogenic right ventricular dysplasia 10. Also called: Arrhythmogenic Right Ventricular Dysplasia/Cardiomyopathy10; ARRHYTHMOGENIC RIGHT VENTRICULAR DYSPLASIA, FAMILIAL, 10; Arrhythmogenic right ventricular dysplasia/cardiomyopathy, type 10. Identifiers: MedGen C1857777, MONDO:0012434, OMIM 610193.

Allele frequency attached by ClinVar (database versions not stated): gnomAD exomes below 0.00001; gnomAD 0.00001; TOPMed 0.00001.
gnomAD v4.1: 10 of 1,614,036 alleles (0.00062%); highest among the groups gnomAD compares: Non-Finnish European, 0.00068%; no homozygotes.

Submissions (4):

Labcorp Genetics (formerly Invitae), Labcorp
Classification: Uncertain significance for Arrhythmogenic right ventricular dysplasia 10. Last evaluated: 2024-08-28. Review status: criteria provided, single submitter. Criteria: Invitae Variant Classification Sherloc (09022015). Collection method: clinical testing. Allele origin: germline.
Comment: This sequence change replaces valine, which is neutral and non-polar, with glycine, which is neutral and non-polar, at codon 585 of the DSG2 protein (p.Val585Gly). This variant is present in population databases (no rsID available, gnomAD 0.0009%). This variant has not been reported in the literature in individuals affected with DSG2-related conditions. ClinVar contains an entry for this variant (Variation ID: 844729). Invitae Evidence Modeling of protein sequence and biophysical properties (such as structural, functional, and spatial information, amino acid conservation, physicochemical variation, residue mobility, and thermodynamic stability) indicates that this missense variant is not expected to disrupt DSG2 protein function with a negative predictive value of 95%. In summary, the available evidence is currently insufficient to determine the role of this variant in disease. Therefore, it has been classified as a Variant of Uncertain Significance.

Ambry Genetics
Classification: Uncertain significance for Cardiovascular phenotype. Last evaluated: 2024-06-07. Review status: criteria provided, single submitter. Criteria: Ambry Variant Classification Scheme 2023. Collection method: clinical testing. Allele origin: germline.
Comment: The p.V585G variant (also known as c.1754T>G), located in coding exon 12 of the DSG2 gene, results from a T to G substitution at nucleotide position 1754. The valine at codon 585 is replaced by glycine, an amino acid with dissimilar properties. This amino acid position is conserved. In addition, this alteration is predicted to be tolerated by in silico analysis. Based on the available evidence, the clinical significance of this variant remains unclear.

All of Us Research Program, National Institutes of Health
Classification: Uncertain significance for Arrhythmogenic right ventricular cardiomyopathy. Last evaluated: 2024-02-22. Review status: criteria provided, single submitter. Criteria: ACMG Guidelines, 2015. Collection method: clinical testing. Allele origin: germline. Inheritance: Autosomal dominant inheritance. Observed: 2 variant alleles, 2 heterozygotes.
Comment: Variant of Uncertain Significance due to insufficient evidence: This missense variant is located in the transmembrane domain of the DSG2 protein. Computational prediction tools and conservation analyses are inconclusive regarding the impact of this variant on the protein function. Computational splicing tools suggest that this variant may not impact RNA splicing. To our knowledge, functional assays have not been performed for this variant nor has this variant been reported in individuals affected with cardiovascular disorders in the literature. This variant has been identified in 1/245814 chromosomes in the general population by the Genome Aggregation Database (gnomAD). Available evidence is insufficient to determine the pathogenicity of this variant conclusively.

This study involves interpretation of variants in research participants for the purpose of population health screening. Participant phenotype was not available at the time of variant classification. Additional details can be found in publication PMID: 35346344, PMCID: PMC8962531

Color Diagnostics, LLC DBA Color Health
Classification: Uncertain significance for Cardiomyopathy. Last evaluated: 2023-12-04. Review status: criteria provided, single submitter. Criteria: ACMG Guidelines, 2015. Collection method: clinical testing. Allele origin: germline.
Comment: Variant of Uncertain Significance due to insufficient evidence: This missense variant is located in the transmembrane domain of the DSG2 protein. Computational prediction tools and conservation analyses are inconclusive regarding the impact of this variant on the protein function. Computational splicing tools suggest that this variant may not impact RNA splicing. To our knowledge, functional assays have not been performed for this variant nor has this variant been reported in individuals affected with cardiovascular disorders in the literature. This variant has been identified in 1/245814 chromosomes in the general population by the Genome Aggregation Database (gnomAD). Available evidence is insufficient to determine the pathogenicity of this variant conclusively.